The following is an entry in ClinVar:

ClinVar aggregate classification (germline): Pathogenic (1 of 4 stars; one submission).

Conditions:
Neurofibromatosis, type 1 (NF1). Also called: NEUROFIBROMATOSIS, TYPE I, SOMATIC; Peripheral type neurofibromatosis; Neurofibromatosis, type I; VON RECKLINGHAUSEN DISEASE. Identifiers: Orphanet 636, MedGen C0027831, MONDO:0018975, OMIM 162200. Disease mechanism: loss of function.

Submission:

Labcorp Genetics (formerly Invitae), Labcorp
Classification: Pathogenic for Neurofibromatosis, type 1. Last evaluated: 2021-07-26. Review status: criteria provided, single submitter. Criteria: Invitae Variant Classification Sherloc (09022015). Collection method: clinical testing. Allele origin: germline.
Comment: This variant is not present in population databases (ExAC no frequency). For these reasons, this variant has been classified as Pathogenic. This variant has not been reported in the literature in individuals affected with NF1-related conditions. This sequence change creates a premature translational stop signal (p.Leu625Profs*8) in the NF1 gene. It is expected to result in an absent or disrupted protein product. Loss-of-function variants in NF1 are known to be pathogenic (PMID: 10712197, 23913538).

Literature cited by the submitters: PubMed 10712197; PubMed 23913538.

NM_001042492.3(NF1):c.1874_1875del (p.Leu625fs)

Gene: NF1 (neurofibromin 1; plus strand). Cytogenetic location: 17q11.2.
Variant type: Microsatellite.
Coding change: c.1874_1875del on transcript NM_001042492.3 (MANE Select); coding-DNA positions 1874 to 1875, 2 bases deleted (TC; older notation c.1874_1875delTC).
Protein change: p.Leu625fs; shifts the reading frame from leucine 625.
Molecular consequence: frameshift variant.
Genome position (GRCh38, 1-based): chr17:31,225,123-31,225,124, TC deleted; deleting any 2 consecutive bases within chr17:31,225,121-31,225,124 gives the same sequence; the c. name uses the placement nearest the transcript's 3' end. VCF-style (leftmost placement, unchanged base first): chr17-31225120-TTC-T. GRCh37 (hg19) VCF-style: chr17-29552138-TTC-T.
Other names: c.1872_1873TC[1], p.Leu625Profs (NM_000267.4); short protein forms L625fs.
Identifiers: ClinVar variation 1405724 (VCV001405724.6), dbSNP rs2144026061, ClinGen allele CA2580614049.